The following is an entry in ClinVar:

ClinVar aggregate classification (germline): Conflicting classifications of pathogenicity. Review status: criteria provided, conflicting classifications (1 of 4 stars). 2 submissions from 2 submitters: Uncertain significance (1); Likely benign (1). Last evaluated 2026-01-10.

Conditions:
Cardiovascular phenotype. Identifiers: MedGen CN230736.
Hereditary hemorrhagic telangiectasia (HHT). Also called: ORW DISEASE; Osler Weber Rendu syndrome; OSLER-RENDU-WEBER DISEASE; Osler hemorrhagic telangiectasia syndrome. Identifiers: Orphanet 774, MedGen C0039445, MONDO:0019180. Disease mechanism: loss of function.

gnomAD v4.1: 31 of 1,597,532 alleles (0.0019%); highest among the groups gnomAD compares: Non-Finnish European, 0.0024%; no homozygotes.

Submissions (2):

Ambry Genetics
Classification: Uncertain significance for Cardiovascular phenotype. Last evaluated: 2026-01-10. Review status: criteria provided, single submitter. Criteria: Ambry Variant Classification Scheme 2023. Collection method: clinical testing. Allele origin: germline.
Comment: The p.R192C variant (also known as c.574C>T), located in coding exon 5 of the ENG gene, results from a C to T substitution at nucleotide position 574. The arginine at codon 192 is replaced by cysteine, an amino acid with highly dissimilar properties. This amino acid position is conserved. In addition, this alteration is predicted to be tolerated by in silico analysis. Based on the available evidence, the clinical significance of this variant remains unclear.

Labcorp Genetics (formerly Invitae), Labcorp
Classification: Likely benign for Hereditary hemorrhagic telangiectasia. Last evaluated: 2025-12-02. Review status: criteria provided, single submitter. Criteria: Invitae Variant Classification Sherloc (09022015). Collection method: clinical testing. Allele origin: germline.

NM_001114753.3(ENG):c.574C>T (p.Arg192Cys)

Gene: ENG (endoglin; minus strand). Cytogenetic location: 9q34.11.
Variant type: single nucleotide variant.
Coding change: c.574C>T on transcript NM_001114753.3 (MANE Select); coding-DNA position 574, C replaced by T.
Protein change: p.Arg192Cys; replaces arginine 192 with cysteine.
Molecular consequence: missense variant.
Genome position (GRCh38, 1-based): chr9:127,825,810, G>A on the plus strand (C>T on the coding strand, the complement: ENG is on the minus strand). VCF-style: chr9-127825810-G-A. GRCh37 (hg19) VCF-style: chr9-130588089-G-A.
Other names: c.574C>T (NM_001114753.1); c.574C>T, p.Arg192Cys (NM_000118.4, NM_001406715.1); c.28C>T, p.Arg10Cys (NM_001278138.2); short protein forms R192C, R10C.
Identifiers: ClinVar variation 2187542 (VCV002187542.5), dbSNP rs537215880, ClinGen allele CA5253084.